The following is an entry in ClinVar:

ClinVar aggregate classification (germline): Pathogenic. Review status: criteria provided, multiple submitters, no conflicts (2 of 4 stars). 8 submissions from 8 submitters: Pathogenic (7). 1 of the submissions does not count toward it. Last evaluated 2026-01-18.

Conditions:
NPHS1-related disorder. Also called: NPHS1-related condition.
Finnish congenital nephrotic syndrome (NPHS1). Also called: NEPHROTIC SYNDROME, TYPE 1. Identifiers: Orphanet 839, MedGen C0403399, MONDO:0009732, OMIM 256300.

Allele frequency attached by ClinVar (database versions not stated): gnomAD exomes 0.00001 and 0.00004; ExAC 0.00002; gnomAD 0.00002; TOPMed 0.00002; ESP Exome Variant Server 0.00008.
gnomAD v4.1: 66 of 1,613,990 alleles (0.0041%); highest among the groups gnomAD compares: Non-Finnish European, 0.0048%; no homozygotes.

Submissions (8):

Natera, Inc.
Classification: Pathogenic for Finnish congenital nephrotic syndrome. Last evaluated: 2026-01-18. Review status: criteria provided, single submitter. Criteria: Natera Variant Classification Schema (03/2026). Collection method: clinical testing. Allele origin: germline.
Comment: The c.3442C>T variant in NPHS1 is a nonsense variant predicted to introduce a stop codon at amino acid 1148. This variant is expected to result in nonsense mediated decay, truncation, or a dysfunctional protein product. This variant is rare in the general population with a frequency below the threshold expected for the associated phenotype(s). This variant has been observed in one or more individuals affected with the associated recessive disease, as either homozygous or compound heterozygous with a second variant (PMID: 20172850). Given the available evidence, this variant is classified as Pathogenic.

Labcorp Genetics (formerly Invitae), Labcorp
Classification: Pathogenic. Last evaluated: 2025-12-17. Review status: criteria provided, single submitter. Criteria: Invitae Variant Classification Sherloc (09022015). Collection method: clinical testing. Allele origin: germline.
Comment: This sequence change creates a premature translational stop signal (p.Gln1148*) in the NPHS1 gene. It is expected to result in an absent or disrupted protein product. Loss-of-function variants in NPHS1 are known to be pathogenic (PMID: 11317351, 11854170, 12039988). This variant is present in population databases (rs150855173, gnomAD 0.002%). This premature translational stop signal has been observed in individuals with nephrotic syndrome (PMID: 23949594, 24902943). ClinVar contains an entry for this variant (Variation ID: 189074). Algorithms developed to predict the effect of sequence changes on RNA splicing suggest that this variant may disrupt the consensus splice site. For these reasons, this variant has been classified as Pathogenic.

CeGaT Center for Human Genetics Tuebingen
Classification: Pathogenic. Last evaluated: 2025-01-01. Review status: criteria provided, single submitter. Criteria: CeGaT Center For Human Genetics Tuebingen Variant Classification Criteria Version 2. Collection method: clinical testing. Allele origin: germline. Affected: yes. Observed: 1 variant allele.
Comment: NPHS1: PM3:Very Strong, PVS1, PM2

Blueprint Genetics
Classification: Pathogenic for NPHS1-related disorders. Last evaluated: 2024-11-08. Review status: criteria provided, single submitter. Criteria: ACMG Guidelines, 2015. Collection method: clinical testing. Allele origin: germline. Affected: yes. Observed: 4 variant alleles.

Revvity Omics, Revvity
Classification: Pathogenic for Finnish congenital nephrotic syndrome. Last evaluated: 2024-02-02. Review status: criteria provided, single submitter. Criteria: ACMG Guidelines, 2015. Collection method: clinical testing. Allele origin: germline.

Fulgent Genetics
Classification: Pathogenic for Finnish congenital nephrotic syndrome. Last evaluated: 2021-12-07. Review status: criteria provided, single submitter. Criteria: ACMG Guidelines, 2015. Collection method: clinical testing. Allele origin: unknown.

Women's Health and Genetics/Laboratory Corporation of America, LabCorp
Classification: Pathogenic for Finnish congenital nephrotic syndrome. Last evaluated: 2018-12-14. Review status: criteria provided, single submitter. Criteria: LabCorp Variant Classification Summary - May 2015. Collection method: clinical testing. Allele origin: germline.
Comment: Variant summary: NPHS1 c.3442C>T (p.Gln1148X) results in a premature termination codon, predicted to cause a truncation of the encoded protein or absence of the protein due to nonsense mediated decay, which are commonly known mechanisms for disease. A truncation downstream of this position have been classified as pathogenic by our laboratory (c.3478C>T (p.Arg1160X)). The variant allele was found at a frequency of 8.1e-06 in 246066 control chromosomes (gnomAD). c.3442C>T has been reported in the literature in multiple compound heterozygous individuals affected with congenital Nephrotic Syndrome, Type 1 (Beltcheva 2001, Schoeb 2010, Wong 2013, Bierzynska 2017). These data indicate that the variant is likely to be associated with disease. To our knowledge, no experimental evidence demonstrating an impact on protein function has been reported. No clinical diagnostic laboratories have submitted clinical-significance assessments for this variant to ClinVar after 2014. Based on the evidence outlined above, the variant was classified as pathogenic.

Counsyl
Classification: Likely pathogenic for Finnish congenital nephrotic syndrome. Last evaluated: 2014-11-26. Review status: no assertion criteria provided. Collection method: literature only. Allele origin: unknown. Inheritance: Autosomal recessive inheritance. Not counted in ClinVar's aggregate classification.

Literature cited by the submitters: PubMed 20172850 (cited by 3 submitters); PubMed 11317351 (cited by 3 submitters); PubMed 11854170 (cited by Labcorp Genetics (formerly Invitae), Labcorp); PubMed 12039988 (cited by Labcorp Genetics (formerly Invitae), Labcorp); PubMed 23949594 (cited by 3 submitters); PubMed 24902943 (cited by Labcorp Genetics (formerly Invitae), Labcorp); PubMed 28117080 (cited by Women's Health and Genetics/Laboratory Corporation of America, LabCorp); PubMed 24742477 (cited by Women's Health and Genetics/Laboratory Corporation of America, LabCorp); PubMed 11562357 (cited by Counsyl).

NM_004646.4(NPHS1):c.3442C>T (p.Gln1148Ter)

Gene: NPHS1 (NPHS1 adhesion molecule, nephrin; minus strand). Cytogenetic location: 19q13.12.
Variant type: single nucleotide variant.
Coding change: c.3442C>T on transcript NM_004646.4 (MANE Select); coding-DNA position 3442, C replaced by T.
Protein change: p.Gln1148Ter; replaces glutamine 1148 with a stop codon.
Molecular consequence: nonsense.
Genome position (GRCh38, 1-based): chr19:35,831,092, G>A on the plus strand (C>T on the coding strand, the complement: NPHS1 is on the minus strand). VCF-style: chr19-35831092-G-A. GRCh37 (hg19) VCF-style: chr19-36321994-G-A.
Other names: short protein forms Q1148*.
Identifiers: ClinVar variation 189074 (VCV000189074.32), dbSNP rs150855173, ClinGen allele CA250315.